The following is an entry in ClinVar:

ClinVar aggregate classification (germline): Uncertain significance. Review status: criteria provided, multiple submitters, no conflicts (2 of 4 stars). 6 submissions from 6 submitters: Uncertain significance (6). Last evaluated 2024-12-12.

Conditions:
Emery-Dreifuss muscular dystrophy 4, autosomal dominant (EDMD4). Also called: EMERY-DREIFUSS MUSCULAR DYSTROPHY 4 WITH VARIABLE FEATURES. Identifiers: Orphanet 261, MedGen C2751807, MONDO:0013071, OMIM 612998.
Autosomal recessive ataxia, Beauce type. Also called: SYNE1 Deficiency; ATAXIA, RECESSIVE, OF BEAUCE; SYNE1-Related Autosomal Recessive Cerebellar Ataxia; Spinocerebellar ataxia, autosomal recessive 8. Identifiers: Orphanet 88644, MedGen C1853116, MONDO:0012549, OMIM 610743.

Allele frequency attached by ClinVar (database versions not stated): gnomAD 0.00011; TOPMed 0.00014; ExAC 0.00015; ESP Exome Variant Server 0.00015; 1000 Genomes Project 30x 0.00016; gnomAD exomes 0.00017 and 0.00033; 1000 Genomes Project 0.00020.
gnomAD v4.1: 485 of 1,614,218 alleles (0.03%); highest among the groups gnomAD compares: Non-Finnish European, 0.039%; 1 homozygote.

Submissions (6):

GeneDx
Classification: Uncertain significance. Last evaluated: 2024-12-12. Review status: criteria provided, single submitter. Criteria: GeneDx Variant Classification Process June 2021. Collection method: clinical testing. Allele origin: germline. Affected: yes.
Comment: In silico analysis indicates that this missense variant does not alter protein structure/function; This variant is associated with the following publications: (PMID: 30275942)

Blueprint Genetics
Classification: Uncertain significance. Last evaluated: 2024-09-10. Review status: criteria provided, single submitter. Criteria: ACMG Guidelines, 2015. Collection method: clinical testing. Allele origin: germline.

Labcorp Genetics (formerly Invitae), Labcorp
Classification: Uncertain significance for Emery-Dreifuss muscular dystrophy 4, autosomal dominant; Autosomal recessive ataxia, Beauce type. Last evaluated: 2022-10-21. Review status: criteria provided, single submitter. Criteria: Invitae Variant Classification Sherloc (09022015). Collection method: clinical testing. Allele origin: germline.
Comment: This sequence change replaces asparagine, which is neutral and polar, with serine, which is neutral and polar, at codon 3602 of the SYNE1 protein (p.Asn3602Ser). This variant is present in population databases (rs148212715, gnomAD 0.03%). This missense change has been observed in individual(s) with cerebellar ataxia, congenital cerebellar hypoplasia, and cognitive impairment (PMID: 30275942). ClinVar contains an entry for this variant (Variation ID: 285321). Algorithms developed to predict the effect of missense changes on protein structure and function output the following: SIFT: "Tolerated"; PolyPhen-2: "Benign"; Align-GVGD: "Class C0". The serine amino acid residue is found in multiple mammalian species, which suggests that this missense change does not adversely affect protein function. In summary, the available evidence is currently insufficient to determine the role of this variant in disease. Therefore, it has been classified as a Variant of Uncertain Significance.

Athena Diagnostics
Classification: Uncertain significance. Last evaluated: 2022-07-14. Review status: criteria provided, single submitter. Criteria: Athena Diagnostics Criteria. Collection method: clinical testing. Allele origin: unknown.

Revvity Omics, Revvity
Classification: Uncertain significance. Last evaluated: 2019-08-27. Review status: criteria provided, single submitter. Criteria: ACMG Guidelines, 2015. Collection method: clinical testing. Allele origin: germline.

Eurofins Ntd Llc (ga)
Classification: Uncertain significance. Last evaluated: 2016-01-08. Review status: criteria provided, single submitter. Criteria: EGL Classification Definitions 2015. Collection method: clinical testing. Allele origin: germline. Observed: 4 variant alleles, 4 heterozygotes.

Literature cited by the submitters: PubMed 30275942 (cited by Labcorp Genetics (formerly Invitae), Labcorp and Athena Diagnostics).

NM_182961.4(SYNE1):c.10784A>G (p.Asn3595Ser)

Gene: SYNE1 (spectrin repeat containing nuclear envelope protein 1; minus strand). Cytogenetic location: 6q25.2.
Variant type: single nucleotide variant.
Coding change: c.10784A>G on transcript NM_182961.4 (MANE Select); coding-DNA position 10784, A replaced by G.
Protein change: p.Asn3595Ser; replaces asparagine 3595 with serine.
Molecular consequence: missense variant.
Genome position (GRCh38, 1-based): chr6:152,354,801, T>C on the plus strand (A>G on the coding strand, the complement: SYNE1 is on the minus strand). VCF-style: chr6-152354801-T-C. GRCh37 (hg19) VCF-style: chr6-152675936-T-C.
Other names: c.10805A>G, p.Asn3602Ser (NM_033071.5); short protein forms N3602S, N3595S.
Identifiers: ClinVar variation 285321 (VCV000285321.19), dbSNP rs148212715, ClinGen allele CA4056878.